The following is an entry in ClinVar:

NM_014271.4(IL1RAPL1):c.768G>T (p.Glu256Asp)

Gene: IL1RAPL1 (interleukin 1 receptor accessory protein like 1; plus strand). Cytogenetic location: Xp21.2.
Variant type: single nucleotide variant.
Coding change: c.768G>T on transcript NM_014271.4 (MANE Select); coding-DNA position 768, G replaced by T.
Protein change: p.Glu256Asp; replaces glutamic acid 256 with aspartic acid.
Molecular consequence: missense variant.
Genome position (GRCh38, 1-based): chrX:29,668,494, G>T. VCF-style: chrX-29668494-G-T. GRCh37 (hg19) VCF-style: chrX-29686611-G-T.
Other names: short protein forms E256D.
Identifiers: ClinVar variation 5016731 (VCV005016731.1).

ClinVar aggregate classification (germline): Uncertain significance (1 of 4 stars; one submission).

Submission:

GeneDx
Classification: Uncertain significance. Last evaluated: 2026-03-25. Review status: criteria provided, single submitter. Criteria: GeneDx Variant Classification Process June 2021. Collection method: clinical testing. Allele origin: germline.
Comment: Not observed at significant frequency in large population cohorts (gnomAD); In silico analysis suggests that this missense variant does not alter protein structure/function; Has not been previously published as pathogenic or benign to our knowledge